The following is an entry in ClinVar:

ClinVar aggregate classification (germline): Pathogenic (1 of 4 stars; one submission).

Conditions:
ALG9 congenital disorder of glycosylation (CDG1L). Also called: CDG Il; ALG9-CDG; CONGENITAL DISORDER OF GLYCOSYLATION, TYPE Il. Identifiers: Orphanet 79328, MedGen C2931006, MONDO:0012117, OMIM 608776.

Allele frequency attached by ClinVar (database versions not stated): ExAC 0.00001; gnomAD exomes 0.00001.

Submission:

Labcorp Genetics (formerly Invitae), Labcorp
Classification: Pathogenic for ALG9 congenital disorder of glycosylation. Last evaluated: 2022-05-17. Review status: criteria provided, single submitter. Criteria: Invitae Variant Classification Sherloc (09022015). Collection method: clinical testing. Allele origin: germline.
Comment: This sequence change creates a premature translational stop signal (p.Gln649Glufs*30) in the ATP6V0A2 gene. It is expected to result in an absent or disrupted protein product. Loss-of-function variants in ATP6V0A2 are known to be pathogenic (PMID: 18157129, 19321599). This variant is present in population databases (rs776509864, gnomAD 0.0009%). This variant has not been reported in the literature in individuals affected with ATP6V0A2-related conditions. For these reasons, this variant has been classified as Pathogenic.

Literature cited by the submitters: PubMed 18157129; PubMed 19321599.

NM_012463.4(ATP6V0A2):c.1945_1946del (p.Gln649fs)

Gene: ATP6V0A2 (ATPase H+ transporting V0 subunit a2; plus strand). Cytogenetic location: 12q24.31.
Variant type: Deletion.
Coding change: c.1945_1946del on transcript NM_012463.4 (MANE Select); coding-DNA positions 1945 to 1946, 2 bases deleted (CA; older notation c.1945_1946delCA).
Protein change: p.Gln649fs; shifts the reading frame from glutamine 649.
Molecular consequence: frameshift variant.
Genome position (GRCh38, 1-based): chr12:123,751,119-123,751,120, CA deleted. VCF-style (leftmost placement, unchanged base first): chr12-123751118-CCA-C. GRCh37 (hg19) VCF-style: chr12-124235665-CCA-C.
Other names: short protein forms Q649fs.
Identifiers: ClinVar variation 2133236 (VCV002133236.4), dbSNP rs776509864, ClinGen allele CA6862081.
Genomic context (GRCh38, chr12:123,751,118, plus strand): 5'-TGCAGGCAGGCCTTCACGTTTTAATCGGGTTTCTCACCTTCTGCACTAACAGGAGTATGT[CCA>C]GAGAGTGCTGCTGGTTGTCACAGCATTGTCTGTCCCTGTCCTCTTCTTGGGAAAGCCACT-3'